The following is an entry in ClinVar:

ClinVar aggregate classification (germline): Uncertain significance (1 of 4 stars; one submission).

Conditions:
Werner syndrome (WRN). Identifiers: Orphanet 902, MedGen C0043119, MONDO:0010196, OMIM 277700.

Allele frequency attached by ClinVar (database versions not stated): gnomAD exomes below 0.00001; TOPMed 0.00001.
gnomAD v4.1: 2 of 1,613,730 alleles (0.00012%); highest among the groups gnomAD compares: East Asian, 0.0045%; no homozygotes.

Submission:

Labcorp Genetics (formerly Invitae), Labcorp
Classification: Uncertain significance for Werner syndrome. Last evaluated: 2024-04-29. Review status: criteria provided, single submitter. Criteria: Invitae Variant Classification Sherloc (09022015). Collection method: clinical testing. Allele origin: germline.
Comment: This sequence change replaces cysteine, which is neutral and slightly polar, with glycine, which is neutral and non-polar, at codon 494 of the WRN protein (p.Cys494Gly). This variant is not present in population databases (gnomAD no frequency). This variant has not been reported in the literature in individuals affected with WRN-related conditions. ClinVar contains an entry for this variant (Variation ID: 1463396). Algorithms developed to predict the effect of missense changes on protein structure and function output the following: SIFT: "Not Available"; PolyPhen-2: "Benign"; Align-GVGD: "Not Available". The glycine amino acid residue is found in multiple mammalian species, which suggests that this missense change does not adversely affect protein function. In summary, the available evidence is currently insufficient to determine the role of this variant in disease. Therefore, it has been classified as a Variant of Uncertain Significance.

NM_000553.6(WRN):c.1480T>G (p.Cys494Gly)

Gene: WRN (WRN RecQ like helicase; plus strand). Cytogenetic location: 8p12.
Variant type: single nucleotide variant.
Coding change: c.1480T>G on transcript NM_000553.6 (MANE Select); coding-DNA position 1480, T replaced by G.
Protein change: p.Cys494Gly; replaces cysteine 494 with glycine.
Molecular consequence: missense variant.
Genome position (GRCh38, 1-based): chr8:31,087,824, T>G. VCF-style: chr8-31087824-T-G. GRCh37 (hg19) VCF-style: chr8-30945340-T-G.
Other names: short protein forms C494G.
Identifiers: ClinVar variation 1463396 (VCV001463396.8), dbSNP rs1813592289, ClinGen allele CA370924370.